The following is an entry in ClinVar:

NM_015915.5(ATL1):c.1546G>A (p.Asp516Asn)

Gene: ATL1 (atlastin GTPase 1; plus strand). Cytogenetic location: 14q22.1.
Variant type: single nucleotide variant.
Coding change: c.1546G>A on transcript NM_015915.5 (MANE Select); coding-DNA position 1546, G replaced by A.
Protein change: p.Asp516Asn; replaces aspartic acid 516 with asparagine.
Molecular consequence: missense variant.
Genome position (GRCh38, 1-based): chr14:50,628,457, G>A. VCF-style: chr14-50628457-G-A. GRCh37 (hg19) VCF-style: chr14-51095175-G-A.
Other names: c.1546G>A, p.Asp516Asn (NM_001127713.1, NM_181598.4); short protein forms D516N.
Identifiers: ClinVar variation 574504 (VCV000574504.16), dbSNP rs776441162, ClinGen allele CA7180496.

ClinVar aggregate classification (germline): Uncertain significance. Review status: criteria provided, multiple submitters, no conflicts (2 of 4 stars). 2 submissions from 2 submitters: Uncertain significance (2). Last evaluated 2018-03-22.

Conditions:
Hereditary spastic paraplegia 3A (SPG3A). Also called: SPASTIC PARAPLEGIA 3, AUTOSOMAL DOMINANT; FAMILIAL SPASTIC PARAPLEGIA, AUTOSOMAL DOMINANT, 1; SPG3; STRUMPELL DISEASE; Spastic Paraplegia 3A; Spastic paraplegia 3A, autosomal dominant. Identifiers: Orphanet 100984, MedGen C2931355, MONDO:0008437, OMIM 182600.

Allele frequency attached by ClinVar (database versions not stated): gnomAD exomes below 0.00001; ExAC 0.00001.

Submissions (2):

Labcorp Genetics (formerly Invitae), Labcorp
Classification: Uncertain significance for Hereditary spastic paraplegia 3A. Last evaluated: 2018-03-22. Review status: criteria provided, single submitter. Criteria: Invitae Variant Classification Sherloc (09022015). Collection method: clinical testing. Allele origin: germline.
Comment: In summary, the available evidence is currently insufficient to determine the role of this variant in disease. Therefore, it has been classified as a Variant of Uncertain Significance. Algorithms developed to predict the effect of missense changes on protein structure and function (SIFT, PolyPhen-2, Align-GVGD) all suggest that this variant is likely to be tolerated, but these predictions have not been confirmed by published functional studies and their clinical significance is uncertain. This variant has not been reported in the literature in individuals with ATL1-related disease. This variant is present in population databases (rs776441162, ExAC 0.002%). This sequence change replaces aspartic acid with asparagine at codon 516 of the ATL1 protein (p.Asp516Asn). The aspartic acid residue is highly conserved and there is a small physicochemical difference between aspartic acid and asparagine.

ARUP Laboratories, Molecular Genetics and Genomics, ARUP Laboratories
Classification: Uncertain significance. Last evaluated: 2018-03-07. Review status: criteria provided, single submitter. Criteria: ARUP Molecular Germline Variant Investigation Process. Collection method: clinical testing. Allele origin: germline.
Comment: The ATL1 c.1546G>A; p.Asp516Asn variant (rs776441162), to our knowledge, is not reported in the medical literature, gene specific variation databases, nor has it been previously identified by our laboratory. This variant is listed in the genome Aggregation Database (gnomAD) with an overall population frequency of 0.0004% (identified on 1 out of 245,802 chromosomes). The aspartic acid at position 516 is highly conserved, considering 11 species, and computational analyses of the effects of the p.Asp516Asn variant on protein structure and function do not predict a deleterious effect (SIFT: tolerated, PolyPhen-2: benign). Based on the available information, the clinical significance of the p.Asp516Asn variant cannot be determined with certainty.